The following is an entry in ClinVar:

ClinVar aggregate classification (germline): Uncertain significance. Review status: criteria provided, multiple submitters, no conflicts (2 of 4 stars). 6 submissions from 6 submitters: Uncertain significance (6). Last evaluated 2025-08-28.

Conditions:
Cystic fibrosis (CF). Also called: MUCOVISCIDOSIS. Identifiers: Orphanet 586, MedGen C0010674, MONDO:0009061, OMIM 219700. Disease mechanism: loss of function.

gnomAD v4.1: 3 of 1,614,030 alleles (0.00019%); highest among the groups gnomAD compares: Admixed American, 0.0017%; no homozygotes.

Submissions (6):

Women's Health and Genetics/Laboratory Corporation of America, LabCorp
Classification: Uncertain significance. Last evaluated: 2025-08-28. Review status: criteria provided, single submitter. Criteria: LabCorp Variant Classification Summary - May 2015. Collection method: clinical testing. Allele origin: germline.
Comment: Variant summary: CFTR c.592G>A (p.Ala198Thr) results in a non-conservative amino acid change located in the ABC transporter type 1, transmembrane domain (IPR011527) of the encoded protein sequence. Algorithms developed to predict the effect of missense changes on protein structure and function all suggest that this variant is likely to be disruptive. The variant was absent in 251444 control chromosomes. The available data on variant occurrences in the general population are insufficient to allow any conclusion about variant significance. To our knowledge, no occurrence of c.592G>A in individuals affected with CFTR-related conditions and no experimental evidence demonstrating its impact on protein function have been reported. ClinVar contains an entry for this variant (Variation ID: 35887). Based on the evidence outlined above, the variant was classified as uncertain significance.

Ambry Genetics
Classification: Uncertain significance for Cystic fibrosis. Last evaluated: 2025-07-17. Review status: criteria provided, single submitter. Criteria: Ambry Variant Classification Scheme 2023. Collection method: clinical testing. Allele origin: germline.
Comment: The p.A198T variant (also known as c.592G>A), located in coding exon 6 of the CFTR gene, results from a G to A substitution at nucleotide position 592. The alanine at codon 198 is replaced by threonine, an amino acid with similar properties. This amino acid position is highly conserved in available vertebrate species. In addition, the in silico prediction for this alteration is inconclusive. Since supporting evidence is limited at this time, the clinical significance of this alteration remains unclear.

Dasa
Classification: Uncertain significance. Last evaluated: 2024-11-12. Review status: criteria provided, single submitter. Criteria: DASA Assertion Criteria. Collection method: clinical testing. Allele origin: germline.
Comment: NM_000492.4(CFTR):c.592G>A (p.Ala198Thr) is a missense variant that results in the substitution of alanine with threonine. The affected residue or protein region has prior evidence supporting clinical relevance. This variant is rare in population databases. Computational prediction algorithms are consistent with a deleterious effect. The currently available literature and clinical evidence are not sufficient to establish a definitive association between this variant and the reported condition. Therefore, this variant is classified as a variant of uncertain significance.

Labcorp Genetics (formerly Invitae), Labcorp
Classification: Uncertain significance for Cystic fibrosis. Last evaluated: 2021-09-01. Review status: criteria provided, single submitter. Criteria: Invitae Variant Classification Sherloc (09022015). Collection method: clinical testing. Allele origin: germline.
Comment: This sequence change replaces alanine with threonine at codon 198 of the CFTR protein (p.Ala198Thr). The alanine residue is moderately conserved and there is a small physicochemical difference between alanine and threonine. This variant is not present in population databases (ExAC no frequency). This variant has not been reported in the literature in individuals affected with CFTR-related conditions. ClinVar contains an entry for this variant (Variation ID: 35887). Algorithms developed to predict the effect of missense changes on protein structure and function (SIFT, PolyPhen-2, Align-GVGD) all suggest that this variant is likely to be tolerated. In summary, the available evidence is currently insufficient to determine the role of this variant in disease. Therefore, it has been classified as a Variant of Uncertain Significance.

Genome-Nilou Lab
Classification: Uncertain significance for Cystic fibrosis. Last evaluated: 2021-07-22. Review status: criteria provided, single submitter. Criteria: ACMG Guidelines, 2015. Collection method: clinical testing. Allele origin: germline. Affected: no.

Eurofins Ntd Llc (ga)
Classification: Uncertain significance. Last evaluated: 2017-01-27. Review status: criteria provided, single submitter. Criteria: EGL Classification Definitions 2015. Collection method: clinical testing. Allele origin: germline. Observed: 1 variant allele, 1 heterozygote.

NM_000492.4(CFTR):c.592G>A (p.Ala198Thr)

Gene: CFTR (CF transmembrane conductance regulator; plus strand). Cytogenetic location: 7q31.2.
Variant type: single nucleotide variant.
Coding change: c.592G>A on transcript NM_000492.4 (MANE Select); coding-DNA position 592, G replaced by A.
Protein change: p.Ala198Thr; replaces alanine 198 with threonine.
Molecular consequence: missense variant.
Genome position (GRCh38, 1-based): chr7:117,535,260, G>A. VCF-style: chr7-117535260-G-A. GRCh37 (hg19) VCF-style: chr7-117175314-G-A.
Other names: short protein forms A198T.
Identifiers: ClinVar variation 35887 (VCV000035887.22), dbSNP rs193922529, ClinGen allele CA260256.